The following is an entry in ClinVar:

ClinVar aggregate classification (germline): Uncertain significance. Review status: criteria provided, multiple submitters, no conflicts (2 of 4 stars). 2 submissions from 2 submitters: Uncertain significance (2). Last evaluated 2024-09-24.

Conditions:
Inborn genetic diseases. Identifiers: MedGen C0950123, MeSH D030342.

Allele frequency attached by ClinVar (database versions not stated): gnomAD exomes 0.00001; TOPMed 0.00001.
gnomAD v4.1: 10 of 1,612,114 alleles (0.00062%); highest among the groups gnomAD compares: Admixed American, 0.0067%; no homozygotes.

Submissions (2):

Ambry Genetics
Classification: Uncertain significance for Inborn genetic diseases. Last evaluated: 2024-09-24. Review status: criteria provided, single submitter. Criteria: Ambry Variant Classification Scheme 2023. Collection method: clinical testing. Allele origin: germline.

Labcorp Genetics (formerly Invitae), Labcorp
Classification: Uncertain significance. Last evaluated: 2023-03-22. Review status: criteria provided, single submitter. Criteria: Invitae Variant Classification Sherloc (09022015). Collection method: clinical testing. Allele origin: germline.
Comment: This variant is present in population databases (no rsID available, gnomAD 0.006%). This variant has not been reported in the literature in individuals affected with SPTBN2-related conditions. Advanced modeling of protein sequence and biophysical properties (such as structural, functional, and spatial information, amino acid conservation, physicochemical variation, residue mobility, and thermodynamic stability) performed at Invitae indicates that this missense variant is expected to disrupt SPTBN2 protein function. In summary, the available evidence is currently insufficient to determine the role of this variant in disease. Therefore, it has been classified as a Variant of Uncertain Significance. This sequence change replaces leucine, which is neutral and non-polar, with phenylalanine, which is neutral and non-polar, at codon 1787 of the SPTBN2 protein (p.Leu1787Phe).

NM_006946.4(SPTBN2):c.5359C>T (p.Leu1787Phe)

Gene: SPTBN2 (spectrin beta, non-erythrocytic 2; minus strand). Cytogenetic location: 11q13.2.
Variant type: single nucleotide variant.
Coding change: c.5359C>T on transcript NM_006946.4 (MANE Select); coding-DNA position 5359, C replaced by T.
Protein change: p.Leu1787Phe; replaces leucine 1787 with phenylalanine.
Molecular consequence: missense variant.
Genome position (GRCh38, 1-based): chr11:66,691,490, G>A on the plus strand (C>T on the coding strand, the complement: SPTBN2 is on the minus strand). VCF-style: chr11-66691490-G-A. GRCh37 (hg19) VCF-style: chr11-66458961-G-A.
Other names: c.5380C>T, p.Leu1794Phe (NM_001411025.1); c.5359C>T (NM_006946.2); short protein forms L1787F, L1794F.
Identifiers: ClinVar variation 2904187 (VCV002904187.3), dbSNP rs971568410, ClinGen allele CA224078800.